The following is an entry in ClinVar:

NM_000092.5(COL4A4):c.1553G>A (p.Gly518Glu)

Gene: COL4A4 (collagen type IV alpha 4 chain; minus strand). Cytogenetic location: 2q36.3.
Variant type: single nucleotide variant.
Coding change: c.1553G>A on transcript NM_000092.5 (MANE Select); coding-DNA position 1553, G replaced by A.
Protein change: p.Gly518Glu; replaces glycine 518 with glutamic acid.
Molecular consequence: missense variant.
Genome position (GRCh38, 1-based): chr2:227,088,723, C>T on the plus strand (G>A on the coding strand, the complement: COL4A4 is on the minus strand). VCF-style: chr2-227088723-C-T. GRCh37 (hg19) VCF-style: chr2-227953439-C-T.
Other names: short protein forms G518E.
Identifiers: ClinVar variation 1521829 (VCV001521829.6), dbSNP rs564334744, ClinGen allele CA350849874.

ClinVar aggregate classification (germline): Conflicting classifications of pathogenicity. Review status: criteria provided, conflicting classifications (1 of 4 stars). 2 submissions from 2 submitters: Likely pathogenic (1); Uncertain significance (1). Last evaluated 2024-03-15.

Conditions:
Hematuria, benign familial, 1 (BFH1). Also called: THIN MEMBRANE NEPHROPATHY. Identifiers: MedGen CN376803, MONDO:0007709, OMIM 141200.
Autosomal recessive Alport syndrome (ATS2). Also called: Alport syndrome type 2; COL4A3-Related Nephropathy; COL4A4 Alport Syndrome and Thin Basement Membrane Nephropathy; ALPORT SYNDROME 2, AUTOSOMAL RECESSIVE. Identifiers: Orphanet 63, Orphanet 88919, MedGen C4746745, MONDO:0008762, OMIM 203780.

Submissions (2):

Fulgent Genetics
Classification: Likely pathogenic for Hematuria, benign familial, 1; Autosomal recessive Alport syndrome. Last evaluated: 2024-03-15. Review status: criteria provided, single submitter. Criteria: ACMG Guidelines, 2015. Collection method: clinical testing. Allele origin: germline.

Labcorp Genetics (formerly Invitae), Labcorp
Classification: Uncertain significance. Last evaluated: 2022-10-17. Review status: criteria provided, single submitter. Criteria: Invitae Variant Classification Sherloc (09022015). Collection method: clinical testing. Allele origin: germline.
Comment: This sequence change replaces glycine, which is neutral and non-polar, with glutamic acid, which is acidic and polar, at codon 518 of the COL4A4 protein (p.Gly518Glu). This variant is not present in population databases (gnomAD no frequency). This missense change has been observed in individual(s) with Alport syndrome (PMID: 25575550). ClinVar contains an entry for this variant (Variation ID: 1521829). Advanced modeling of protein sequence and biophysical properties (such as structural, functional, and spatial information, amino acid conservation, physicochemical variation, residue mobility, and thermodynamic stability) performed at Invitae indicates that this missense variant is expected to disrupt COL4A4 protein function. In summary, the available evidence is currently insufficient to determine the role of this variant in disease. Therefore, it has been classified as a Variant of Uncertain Significance.

Literature cited by the submitters: PubMed 25575550 (cited by Labcorp Genetics (formerly Invitae), Labcorp).